The following is an entry in ClinVar:

NM_024735.5(FBXO31):c.1181G>A (p.Arg394Gln)

Gene: FBXO31 (F-box protein 31; minus strand). Cytogenetic location: 16q24.2.
Variant type: single nucleotide variant.
Coding change: c.1181G>A on transcript NM_024735.5 (MANE Select); coding-DNA position 1181, G replaced by A.
Protein change: p.Arg394Gln; replaces arginine 394 with glutamine.
Molecular consequence: missense variant.
Genome position (GRCh38, 1-based): chr16:87,334,102, C>T on the plus strand (G>A on the coding strand, the complement: FBXO31 is on the minus strand). VCF-style: chr16-87334102-C-T. GRCh37 (hg19) VCF-style: chr16-87367708-C-T.
Other names: c.665G>A, p.Arg222Gln (NM_001282683.2); short protein forms R394Q, R222Q.
Identifiers: ClinVar variation 376898 (VCV000376898.8), dbSNP rs34412175, ClinGen allele CA8218969.

ClinVar aggregate classification (germline): Benign/Likely benign. Review status: criteria provided, multiple submitters, no conflicts (2 of 4 stars). 3 submissions from 3 submitters: Benign (1); Likely benign (2). Last evaluated 2019-12-31.

Allele frequency attached by ClinVar (database versions not stated): ESP Exome Variant Server 0.00310; TOPMed 0.00319; gnomAD 0.00346 and 0.00409; 1000 Genomes Project 30x 0.00468; 1000 Genomes Project 0.00499.

Submissions (3):

Labcorp Genetics (formerly Invitae), Labcorp
Classification: Benign. Last evaluated: 2019-12-31. Review status: criteria provided, single submitter. Criteria: Invitae Variant Classification Sherloc (09022015). Collection method: clinical testing. Allele origin: germline.

Center for Pediatric Genomic Medicine, Children's Mercy Hospital and Clinics
Classification: Likely benign. Last evaluated: 2017-02-08. Review status: criteria provided, single submitter. Criteria: ACMG Guidelines, 2015. Collection method: clinical testing. Allele origin: germline.
ClinVar note: Converted during submission from Likely Benign to Likely benign.

Breakthrough Genomics
Classification: Likely benign. Review status: criteria provided, single submitter. Criteria: ACMG Guidelines, 2015. Collection method: not provided. Allele origin: germline. Inheritance: Autosomal recessive inheritance. Affected: yes.